The following is an entry in ClinVar:

ClinVar aggregate classification (germline): Uncertain significance (1 of 4 stars; one submission).

Conditions:
Hereditary cancer-predisposing syndrome. Also called: Hereditary Cancer Syndrome; Neoplastic Syndromes, Hereditary; Tumor predisposition; Hereditary neoplastic syndrome. Identifiers: Orphanet 140162, MedGen C0027672, MeSH D009386, MONDO:0015356.

Submission:

Ambry Genetics
Classification: Uncertain significance for Hereditary cancer-predisposing syndrome. Last evaluated: 2026-07-07. Review status: criteria provided, single submitter. Criteria: Ambry Variant Classification Scheme 2023. Collection method: clinical testing. Allele origin: germline.
Comment: The p.L1909I variant (also known as c.5725C>A), located in coding exon 26 of the DICER1 gene, results from a C to A substitution at nucleotide position 5725. The leucine at codon 1909 is replaced by isoleucine, an amino acid with highly similar properties. This amino acid position is conserved. In addition, the in silico prediction for this alteration is inconclusive. Based on the available evidence, the clinical significance of this variant remains unclear.

NM_177438.3(DICER1):c.5725C>A (p.Leu1909Ile)

Gene: DICER1 (dicer 1, ribonuclease III; minus strand). Cytogenetic location: 14q32.13.
Variant type: single nucleotide variant.
Coding change: c.5725C>A on transcript NM_177438.3 (MANE Select); coding-DNA position 5725, C replaced by A.
Protein change: p.Leu1909Ile; replaces leucine 1909 with isoleucine.
Molecular consequence: missense variant. On other transcripts: non-coding transcript variant (6), 3 prime UTR variant (1).
Genome position (GRCh38, 1-based): chr14:95,090,542, G>T on the plus strand (C>A on the coding strand, the complement: DICER1 is on the minus strand). VCF-style: chr14-95090542-G-T. GRCh37 (hg19) VCF-style: chr14-95556879-G-T.
Other names: c.5725C>A, p.Leu1909Ile (NM_001271282.3, NM_001291628.2, NM_001395677.1 and 7 more transcripts); c.5443C>A, p.Leu1815Ile (NM_001395686.1); c.*72C>A (NM_001195573.1); c.5320C>A, p.Leu1774Ile (NM_001395687.1, NM_001395688.1, NM_001395689.1 and 1 more transcripts); c.5158C>A, p.Leu1720Ile (NM_001395691.1); c.4042C>A, p.Leu1348Ile (NM_001395697.1); short protein forms L1348I, L1909I, L1774I, L1720I, L1815I.
Identifiers: ClinVar variation 5035278 (VCV005035278.1).